The following is an entry in ClinVar:

ClinVar aggregate classification (germline): Uncertain significance. Review status: criteria provided, multiple submitters, no conflicts (2 of 4 stars). 3 submissions from 3 submitters: Uncertain significance (3). Last evaluated 2025-03-04.

Conditions:
Hereditary cancer-predisposing syndrome. Also called: Neoplastic Syndromes, Hereditary; Tumor predisposition; Hereditary Cancer Syndrome; Hereditary neoplastic syndrome. Identifiers: Orphanet 140162, MedGen C0027672, MeSH D009386, MONDO:0015356.
Lynch syndrome. Identifiers: Orphanet 144, MedGen C4552100, MONDO:0005835. Disease mechanism: loss of function.
Hereditary nonpolyposis colorectal neoplasms. Identifiers: MedGen C0009405, MeSH D003123.

Allele frequency attached by ClinVar (database versions not stated): gnomAD 0.00001.
gnomAD v4.1: 2 of 1,611,720 alleles (0.00012%); highest among the groups gnomAD compares: African/African-American, 0.0013%; no homozygotes.

Submissions (3):

Ambry Genetics
Classification: Uncertain significance for Hereditary cancer-predisposing syndrome. Last evaluated: 2025-03-04. Review status: criteria provided, single submitter. Criteria: Ambry Variant Classification Scheme 2023. Collection method: clinical testing. Allele origin: germline.
Comment: The p.I1357N variant (also known as c.4070T>A), located in coding exon 10 of the MSH6 gene, results from a T to A substitution at nucleotide position 4070. The isoleucine at codon 1357 is replaced by asparagine, an amino acid with dissimilar properties. This amino acid position is not well conserved in available vertebrate species. In addition, the in silico prediction for this alteration is inconclusive. Based on the available evidence, the clinical significance of this variant remains unclear.

All of Us Research Program, National Institutes of Health
Classification: Uncertain significance for Lynch syndrome. Last evaluated: 2024-07-29. Review status: criteria provided, single submitter. Criteria: ACMG Guidelines, 2015. Collection method: clinical testing. Allele origin: germline. Inheritance: Autosomal dominant inheritance. Observed: 1 variant allele, 1 heterozygote.
Comment: This missense variant replaces isoleucine with asparagine at codon 1357 of the MSH6 protein. Computational prediction is inconclusive regarding the impact of this variant on protein structure and function (internally defined REVEL score threshold 0.5 < inconclusive < 0.7, PMID: 27666373). To our knowledge, functional studies have not been reported for this variant. This variant has not been reported in individuals affected with MSH6-related disorders in the literature. This variant has not been identified in the general population by the Genome Aggregation Database (gnomAD). The available evidence is insufficient to determine the role of this variant in disease conclusively. Therefore, this variant is classified as a Variant of Uncertain Significance.

This study involves interpretation of variants in research participants for the purpose of population health screening. Participant phenotype was not available at the time of variant classification. Additional details can be found in publication PMID: 35346344, PMCID: PMC8962531

Labcorp Genetics (formerly Invitae), Labcorp
Classification: Uncertain significance for Hereditary nonpolyposis colorectal neoplasms. Last evaluated: 2018-10-30. Review status: criteria provided, single submitter. Criteria: Invitae Variant Classification Sherloc (09022015). Collection method: clinical testing. Allele origin: germline.
Comment: In summary, the available evidence is currently insufficient to determine the role of this variant in disease. Therefore, it has been classified as a Variant of Uncertain Significance. Algorithms developed to predict the effect of missense changes on protein structure and function are either unavailable or do not agree on the potential impact of this missense change (SIFT: "Deleterious"; PolyPhen-2: "Benign"; Align-GVGD: "Class C0"). This variant has not been reported in the literature in individuals with MSH6-related disease. This variant is not present in population databases (ExAC no frequency). This sequence change replaces isoleucine with asparagine at codon 1357 of the MSH6 protein (p.Ile1357Asn). The isoleucine residue is weakly conserved and there is a large physicochemical difference between isoleucine and asparagine.

NM_000179.3(MSH6):c.4070T>A (p.Ile1357Asn)

Gene: MSH6 (mutS homolog 6; plus strand). Cytogenetic location: 2p16.3.
Variant type: single nucleotide variant.
Coding change: c.4070T>A on transcript NM_000179.3 (MANE Select); coding-DNA position 4070, T replaced by A.
Protein change: p.Ile1357Asn; replaces isoleucine 1357 with asparagine.
Molecular consequence: missense variant.
Genome position (GRCh38, 1-based): chr2:47,806,847, T>A. VCF-style: chr2-47806847-T-A. GRCh37 (hg19) VCF-style: chr2-48033986-T-A.
Other names: c.3680T>A, p.Ile1227Asn (NM_001281492.2); c.3164T>A, p.Ile1055Asn (NM_001281493.2, NM_001281494.2); short protein forms I1357N, I1227N, I1055N.
Identifiers: ClinVar variation 640151 (VCV000640151.8), dbSNP rs1209834047, ClinGen allele CA346761753.